The following is an entry in ClinVar:

ClinVar aggregate classification (germline): Uncertain significance (1 of 4 stars; one submission).

Conditions:
Mucopolysaccharidosis, MPS-III-A (MPS3A). Also called: HEPARAN SULFATE SULFATASE DEFICIENCY; SANFILIPPO SYNDROME A; SULFAMIDASE DEFICIENCY; MPS III A; MPS IIIA (Sanfilippo Syndrome Type A); Mucopolysaccharidosis type IIIA (Sanfilippo A). Identifiers: Orphanet 581, Orphanet 79269, MedGen C0086647, MONDO:0009655, OMIM 252900.

Allele frequency attached by ClinVar (database versions not stated): gnomAD exomes 0.00001.
gnomAD v4.1: 13 of 1,611,972 alleles (0.00081%); highest among the groups gnomAD compares: Non-Finnish European, 0.001%; no homozygotes.

Submission:

Labcorp Genetics (formerly Invitae), Labcorp
Classification: Uncertain significance for Mucopolysaccharidosis, MPS-III-A. Last evaluated: 2022-07-19. Review status: criteria provided, single submitter. Criteria: Invitae Variant Classification Sherloc (09022015). Collection method: clinical testing. Allele origin: germline.
Comment: In summary, the available evidence is currently insufficient to determine the role of this variant in disease. Therefore, it has been classified as a Variant of Uncertain Significance. Advanced modeling of protein sequence and biophysical properties (such as structural, functional, and spatial information, amino acid conservation, physicochemical variation, residue mobility, and thermodynamic stability) performed at Invitae indicates that this missense variant is expected to disrupt SGSH protein function. ClinVar contains an entry for this variant (Variation ID: 1470706). This missense change has been observed in individual(s) with mucopolysaccharidosis type III (PMID: 27590925). This variant is not present in population databases (gnomAD no frequency). This sequence change replaces leucine, which is neutral and non-polar, with proline, which is neutral and non-polar, at codon 91 of the SGSH protein (p.Leu91Pro).

Literature cited by the submitters: PubMed 27590925.

NM_000199.5(SGSH):c.272T>C (p.Leu91Pro)

Gene: SGSH (N-sulfoglucosamine sulfohydrolase; minus strand). Cytogenetic location: 17q25.3.
Variant type: single nucleotide variant.
Coding change: c.272T>C on transcript NM_000199.5 (MANE Select); coding-DNA position 272, T replaced by C.
Protein change: p.Leu91Pro; replaces leucine 91 with proline.
Molecular consequence: missense variant.
Genome position (GRCh38, 1-based): chr17:80,215,116, A>G on the plus strand (T>C on the coding strand, the complement: SGSH is on the minus strand). VCF-style: chr17-80215116-A-G. GRCh37 (hg19) VCF-style: chr17-78188915-A-G.
Other names: c.272T>C, p.Leu91Pro (NM_001352921.3, NM_001352922.2); short protein forms L91P.
Identifiers: ClinVar variation 1470706 (VCV001470706.8), dbSNP rs2144755037, ClinGen allele CA401363913.
Genomic context (GRCh38, chr17:80,215,116, plus strand): 5'-AGCAGCAGCGGCAGGCTCCGCACCTTGTCGAAGGAGTTGAAGTGGTGCACGTCCTGGTGC[A>G]GCCCGTACATCCCATTCTGATGCTGCCAGCAAAGGCGCATGAGGTCCGGGGCCCCCGGAC-3'
Protein context (NP_000190.1, residues 81-101): LPQHQNGMYG[Leu91Pro]HQDVHHFNSF